The following is an entry in ClinVar:

ClinVar aggregate classification (germline): Uncertain significance. Review status: criteria provided, multiple submitters, no conflicts (2 of 4 stars). 4 submissions from 4 submitters: Uncertain significance (4). Last evaluated 2025-10-21.

Conditions:
Hereditary cancer-predisposing syndrome. Also called: Tumor predisposition; Hereditary Cancer Syndrome; Hereditary neoplastic syndrome; Neoplastic Syndromes, Hereditary. Identifiers: Orphanet 140162, MedGen C0027672, MeSH D009386, MONDO:0015356.
Familial cancer of breast. Also called: hereditary breast carcinoma; BREAST CANCER, FAMILIAL; Hereditary breast cancer. Identifiers: Orphanet 227535, MedGen C0346153, MONDO:0016419, OMIM 114480. Disease mechanism: loss of function.

Submissions (4):

Color Diagnostics, LLC DBA Color Health
Classification: Uncertain significance for Hereditary cancer-predisposing syndrome. Last evaluated: 2025-10-21. Review status: criteria provided, single submitter. Criteria: ACMG Guidelines, 2015. Collection method: clinical testing. Allele origin: germline.
Comment: This missense variant replaces proline with arginine at codon 426 of the CHEK2 protein. Computational prediction suggests that this variant may have deleterious impact on protein structure and function. Functional studies have reported this variant to be damaging in KAP1 kinase and CHK2 autophosphoryation assays (PMID: 34903604, 37449874). This variant has been reported in 1/60466 individuals affected with breast cancer and absent in 53461 controls (PMID: 35585550). This variant has not been identified in the general population by the Genome Aggregation Database (gnomAD). The available evidence is insufficient to determine the role of this variant in disease conclusively. Therefore, this variant is classified as a Variant of Uncertain Significance.

GeneDx
Classification: Uncertain significance. Last evaluated: 2025-07-16. Review status: criteria provided, single submitter. Criteria: GeneDx Variant Classification Process June 2021. Collection method: clinical testing. Allele origin: germline. Affected: yes.
Comment: Not observed at significant frequency in large population cohorts (gnomAD); In silico analysis supports that this missense variant has a deleterious effect on protein structure/function; This variant is associated with the following publications: (PMID: 22419737, 19782031, 34903604, 37449874)

Labcorp Genetics (formerly Invitae), Labcorp
Classification: Uncertain significance for Familial cancer of breast. Last evaluated: 2024-03-06. Review status: criteria provided, single submitter. Criteria: Invitae Variant Classification Sherloc (09022015). Collection method: clinical testing. Allele origin: germline.
Comment: This sequence change replaces proline, which is neutral and non-polar, with arginine, which is basic and polar, at codon 426 of the CHEK2 protein (p.Pro426Arg). This variant is not present in population databases (gnomAD no frequency). This variant has not been reported in the literature in individuals affected with CHEK2-related conditions. ClinVar contains an entry for this variant (Variation ID: 486834). An algorithm developed to predict the effect of missense changes on protein structure and function (PolyPhen-2) suggests that this variant is likely to be disruptive. Experimental studies have shown that this missense change affects CHEK2 function (PMID: 34903604). In summary, the available evidence is currently insufficient to determine the role of this variant in disease. Therefore, it has been classified as a Variant of Uncertain Significance.

Ambry Genetics
Classification: Uncertain significance for Hereditary cancer-predisposing syndrome. Last evaluated: 2023-02-08. Review status: criteria provided, single submitter. Criteria: Ambry Variant Classification Scheme 2023. Collection method: clinical testing. Allele origin: germline.
Comment: The p.P426R variant (also known as c.1277C>G), located in coding exon 11 of the CHEK2 gene, results from a C to G substitution at nucleotide position 1277. The proline at codon 426 is replaced by arginine, an amino acid with dissimilar properties. This alteration was reported as damaging in an mES cell-based assay of CHEK2 activity (Boonen RACM et al. Cancer Res, 2022 Feb;82:615-631). This amino acid position is highly conserved in available vertebrate species. In addition, this alteration is predicted to be deleterious by in silico analysis. Since supporting evidence is limited at this time, the clinical significance of this alteration remains unclear.

Literature cited by the submitters: PubMed 34903604 (cited by 3 submitters); PubMed 35585550 (cited by Color Diagnostics, LLC DBA Color Health); PubMed 37449874 (cited by Color Diagnostics, LLC DBA Color Health).

NM_007194.4(CHEK2):c.1277C>G (p.Pro426Arg)

Gene: CHEK2 (checkpoint kinase 2; minus strand). Cytogenetic location: 22q12.1.
Variant type: single nucleotide variant.
Coding change: c.1277C>G on transcript NM_007194.4 (MANE Select); coding-DNA position 1277, C replaced by G.
Protein change: p.Pro426Arg; replaces proline 426 with arginine.
Molecular consequence: missense variant.
Genome position (GRCh38, 1-based): chr22:28,695,225, G>C on the plus strand (C>G on the coding strand, the complement: CHEK2 is on the minus strand). VCF-style: chr22-28695225-G-C. GRCh37 (hg19) VCF-style: chr22-29091213-G-C.
Other names: c.1406C>G, p.Pro469Arg (NM_001005735.3); c.614C>G, p.Pro205Arg (NM_001257387.3); c.1076C>G, p.Pro359Arg (NM_001349956.3); c.1190C>G, p.Pro397Arg (NM_145862.3); short protein forms P426R, P359R, P205R, P397R, P469R.
Identifiers: ClinVar variation 486834 (VCV000486834.18), dbSNP rs769933461, ClinGen allele CA411096269.
Genomic context (GRCh38, chr22:28,695,225, plus strand): 5'-TTGTATTTTCCACTGGTGATCTGATCCTTCAGTGACACTTGAGTCCTATGCTCAGAGAAA[G>C]GTGGATACCCACTAAGGCTTAATATTGGTAGAGAGAGAAAGGAAAAGAAATCAAGTGGCA-3'
Protein context (NP_009125.1, residues 416-436): ILFICLSGYP[Pro426Arg]FSEHRTQVSL